The following is an entry in ClinVar:

NM_000368.5(TSC1):c.3460A>G (p.Met1154Val)

Gene: TSC1 (TSC complex subunit 1; minus strand). Cytogenetic location: 9q34.13.
Variant type: single nucleotide variant.
Coding change: c.3460A>G on transcript NM_000368.5 (MANE Select); coding-DNA position 3460, A replaced by G.
Protein change: p.Met1154Val; replaces methionine 1154 with valine.
Molecular consequence: missense variant.
Genome position (GRCh38, 1-based): chr9:132,896,270, T>C on the plus strand (A>G on the coding strand, the complement: TSC1 is on the minus strand). VCF-style: chr9-132896270-T-C. GRCh37 (hg19) VCF-style: chr9-135771657-T-C.
Other names: c.3457A>G, p.Met1153Val (NM_001162426.2); c.3307A>G, p.Met1103Val (NM_001162427.2); c.3097A>G, p.Met1033Val (NM_001362177.2); c.3460A>G (NM_000368.4); short protein forms M1033V, M1103V, M1153V, M1154V.
Identifiers: ClinVar variation 1051862 (VCV001051862.22), dbSNP rs1845024278, ClinGen allele CA375366330.

ClinVar aggregate classification (germline): Conflicting classifications of pathogenicity. Review status: criteria provided, conflicting classifications (1 of 4 stars). 4 submissions from 4 submitters: Uncertain significance (3); Likely benign (1). Last evaluated 2025-05-01.

Conditions:
Hereditary cancer-predisposing syndrome. Also called: Tumor predisposition; Hereditary neoplastic syndrome; Neoplastic Syndromes, Hereditary; Hereditary Cancer Syndrome. Identifiers: Orphanet 140162, MedGen C0027672, MeSH D009386, MONDO:0015356.
Tuberous sclerosis 1 (TSC1). Identifiers: Orphanet 805, MedGen C1854465, MONDO:0008612, OMIM 191100.
Lymphangiomyomatosis (LAM). Also called: Lymphangioleiomyomatosis, somatic; Lymphangioleiomyomatosis. Identifiers: Orphanet 538, MedGen C0751674, MONDO:0011705, OMIM 606690.
Isolated focal cortical dysplasia type II (FCORD2). Also called: CORTICAL DYSPLASIA OF TAYLOR; Focal cortical dysplasia type II. Identifiers: Orphanet 268994, MedGen C1846385, MONDO:0011818, OMIM 607341, HP:0032051.

Allele frequency attached by ClinVar (database versions not stated): gnomAD exomes below 0.00001; TOPMed below 0.00001.

Submissions (4):

CeGaT Center for Human Genetics Tuebingen
Classification: Likely benign. Last evaluated: 2025-05-01. Review status: criteria provided, single submitter. Criteria: CeGaT Center For Human Genetics Tuebingen Variant Classification Criteria Version 2. Collection method: clinical testing. Allele origin: germline. Affected: yes. Observed: 1 variant allele.
Comment: TSC1: PP2, BS2

Ambry Genetics
Classification: Uncertain significance for Hereditary cancer-predisposing syndrome. Last evaluated: 2024-11-14. Review status: criteria provided, single submitter. Criteria: Ambry Variant Classification Scheme 2023. Collection method: clinical testing. Allele origin: germline.
Comment: The p.M1154V variant (also known as c.3460A>G), located in coding exon 21 of the TSC1 gene, results from an A to G substitution at nucleotide position 3460. The methionine at codon 1154 is replaced by valine, an amino acid with highly similar properties. This amino acid position is highly conserved in available vertebrate species. In addition, this alteration is predicted to be deleterious by in silico analysis. Based on the available evidence, the clinical significance of this variant remains unclear.

Labcorp Genetics (formerly Invitae), Labcorp
Classification: Uncertain significance for Tuberous sclerosis 1. Last evaluated: 2024-07-20. Review status: criteria provided, single submitter. Criteria: Invitae Variant Classification Sherloc (09022015). Collection method: clinical testing. Allele origin: germline.
Comment: This sequence change replaces methionine, which is neutral and non-polar, with valine, which is neutral and non-polar, at codon 1154 of the TSC1 protein (p.Met1154Val). This variant is not present in population databases (gnomAD no frequency). This variant has not been reported in the literature in individuals affected with TSC1-related conditions. ClinVar contains an entry for this variant (Variation ID: 1051862). Advanced modeling of protein sequence and biophysical properties (such as structural, functional, and spatial information, amino acid conservation, physicochemical variation, residue mobility, and thermodynamic stability) performed at Invitae indicates that this missense variant is not expected to disrupt TSC1 protein function with a negative predictive value of 80%. In summary, the available evidence is currently insufficient to determine the role of this variant in disease. Therefore, it has been classified as a Variant of Uncertain Significance.

Fulgent Genetics
Classification: Uncertain significance for Tuberous sclerosis 1; Lymphangiomyomatosis; Isolated focal cortical dysplasia type II. Last evaluated: 2022-05-03. Review status: criteria provided, single submitter. Criteria: ACMG Guidelines, 2015. Collection method: clinical testing. Allele origin: unknown.